The following is an entry in ClinVar:

NM_000126.4(ETFA):c.882+20del

Gene: ETFA (electron transfer flavoprotein subunit alpha; minus strand). Cytogenetic location: 15q24.2.
Variant type: Deletion.
Coding change: c.882+20del on transcript NM_000126.4 (MANE Select); 20 bases into the intron after coding-DNA position 882, one base deleted (G; older notation c.882+20delG).
Molecular consequence: intron variant.
Genome position (GRCh38, 1-based): chr15:76,231,313, C deleted on the plus strand (G on the coding strand, the reverse complement: ETFA is on the minus strand). VCF-style (leftmost placement, unchanged base first): chr15-76231312-AC-A. GRCh37 (hg19) VCF-style: chr15-76523653-AC-A.
Other names: c.735+20del (NM_001127716.2).
Identifiers: ClinVar variation 513093 (VCV000513093.1), dbSNP rs1555455643, ClinGen allele CA658798407.
Genomic context (GRCh38, chr15:76,231,312, plus strand): 5'-TAACTACATGGAAACATACAAGGTAAGCCAAATCCTAAAATGTGGAAACGTTTTCTTTTA[AC>A]ATCACTGATGTACAATTACCTTGCTGTCTTTCATCCCAGCTAAATGTTGGATGGCTCCAG-3'

ClinVar aggregate classification (germline): Likely benign (1 of 4 stars; one submission).

Submission:

GeneDx
Classification: Likely benign. Last evaluated: 2017-11-16. Review status: criteria provided, single submitter. Criteria: GeneDx Variant Classification (06012015). Collection method: clinical testing. Allele origin: germline. Affected: yes.
Comment: This variant is considered likely benign or benign based on one or more of the following criteria: it is a conservative change, it occurs at a poorly conserved position in the protein, it is predicted to be benign by multiple in silico algorithms, and/or has population frequency not consistent with disease.